The following is an entry in ClinVar:

ClinVar aggregate classification (germline): Pathogenic (1 of 4 stars; one submission).

Conditions:
Inborn genetic diseases. Identifiers: MedGen C0950123, MeSH D030342.

Submission:

Ambry Genetics
Classification: Pathogenic for Inborn genetic diseases. Last evaluated: 2024-03-19. Review status: criteria provided, single submitter. Criteria: Ambry Variant Classification Scheme 2023. Collection method: clinical testing. Allele origin: germline.
Comment: The c.1200_1202delGAT (p.M400del) alteration, located in coding exon 9 of the SCN1A gene, results from an in-frame GAT deletion at nucleotide positions c.1200 to c.1202. This results in the deletion of a methionine residue at codon 400. Based on the available evidence, the SCN1A c.1200_1202delGAT (p.M400del) alteration is classified as pathogenic for autosomal dominant SCN1A-related seizure disorders; however, its clinical significance for autosomal dominant SCN1A-related hemiplegic migraine is uncertain. This variant was not reported in population-based cohorts in the Genome Aggregation Database (gnomAD). This alteration has been detected de novo in multiple individuals with epileptic encephalopathy (Ceulemans, 2004; Depienne, 2009; Wang, 2012; Wei, 2018). This amino acid position is highly conserved in available vertebrate species. Based on internal structural assessment, this alteration significantly disrupts the structure of the SCN1A protein (Shen, 2017). This alteration is predicted to be deleterious by in silico analysis (Choi, 2012). Based on the available evidence, this alteration is classified as pathogenic.

Literature cited by the submitters: PubMed 15087100; PubMed 18930999; PubMed 19585586; PubMed 23056405; PubMed 23195492; PubMed 28183995; PubMed 29429461.

NM_001165963.4(SCN1A):c.1200_1202del (p.Met400del)

Gene: SCN1A (sodium voltage-gated channel alpha subunit 1; minus strand). Cytogenetic location: 2q24.3.
Variant type: Deletion.
Coding change: c.1200_1202del on transcript NM_001165963.4 (MANE Select); coding-DNA positions 1200 to 1202, 3 bases deleted (GAT; older notation c.1200_1202delGAT).
Protein change: p.Met400del; deletes methionine 400.
Molecular consequence: inframe deletion. On other transcripts: 5 prime UTR variant (1), non-coding transcript variant (1).
Genome position (GRCh38, 1-based): chr2:166,046,945-166,046,947, ATC deleted on the plus strand (GAT on the coding strand, the reverse complement: SCN1A is on the minus strand); deleting any 3 consecutive bases within chr2:166,046,945-166,046,949 gives the same sequence; the c. name uses the placement nearest the transcript's 3' end. VCF-style (leftmost placement, unchanged base first): chr2-166046944-TATC-T. GRCh37 (hg19) VCF-style: chr2-166903454-TATC-T.
Other names: c.1200_1202del, p.Met400del (NM_001165964.3, NM_001202435.3, NM_001353948.2 and 10 more transcripts); c.-1226_-1224del (NM_001353961.2); short protein forms M400del.
Identifiers: ClinVar variation 1747263 (VCV001747263.3), dbSNP rs2468182291, ClinGen allele CA1038848234.
Genomic context (GRCh38, chr2:166,046,944, plus strand): 5'-CACAGCCAGGATCAAATTTATTAGGTAGAATGAGCCCAAGAAAATGACCAATACAAAAAA[TATC>T]ATGTACGTTTTCCCAGCAGCACGTAATGTCTGCAAACAAAAATATCAGAATTATTTCTCA-3'